The following is an entry in ClinVar:

NM_015164.4(PLEKHM2):c.2530A>T (p.Ile844Phe)

Gene: PLEKHM2 (pleckstrin homology and RUN domain containing M2; plus strand). Cytogenetic location: 1p36.21.
Variant type: single nucleotide variant.
Coding change: c.2530A>T on transcript NM_015164.4 (MANE Select); coding-DNA position 2530, A replaced by T.
Protein change: p.Ile844Phe; replaces isoleucine 844 with phenylalanine.
Molecular consequence: missense variant.
Genome position (GRCh38, 1-based): chr1:15,731,953, A>T. VCF-style: chr1-15731953-A-T. GRCh37 (hg19) VCF-style: chr1-16058448-A-T.
Other names: short protein forms I844F.
Identifiers: ClinVar variation 645605 (VCV000645605.6), dbSNP rs770529447, ClinGen allele CA617285.

ClinVar aggregate classification (germline): Uncertain significance (1 of 4 stars; one submission).

Allele frequency attached by ClinVar (database versions not stated): TOPMed 0.00003; ExAC 0.00007; gnomAD exomes 0.00009.
gnomAD v4.1: 21 of 1,611,986 alleles (0.0013%); highest among the groups gnomAD compares: Admixed American, 0.035%; no homozygotes.

Submission:

Labcorp Genetics (formerly Invitae), Labcorp
Classification: Uncertain significance. Last evaluated: 2025-06-15. Review status: criteria provided, single submitter. Criteria: Invitae Variant Classification Sherloc (09022015). Collection method: clinical testing. Allele origin: germline.
Comment: This sequence change replaces isoleucine, which is neutral and non-polar, with phenylalanine, which is neutral and non-polar, at codon 844 of the PLEKHM2 protein (p.Ile844Phe). This variant is present in population databases (rs770529447, gnomAD 0.06%), and has an allele count higher than expected for a pathogenic variant. This variant has not been reported in the literature in individuals affected with PLEKHM2-related conditions. ClinVar contains an entry for this variant (Variation ID: 645605). An algorithm developed to predict the effect of missense changes on protein structure and function (PolyPhen-2) suggests that this variant is likely to be disruptive. In summary, the available evidence is currently insufficient to determine the role of this variant in disease. Therefore, it has been classified as a Variant of Uncertain Significance.